The following is an entry in ClinVar:

NM_021008.4(DEAF1):c.209C>A (p.Ala70Glu)

Gene: DEAF1 (DEAF1 transcription factor; minus strand). Cytogenetic location: 11p15.5.
Variant type: single nucleotide variant.
Coding change: c.209C>A on transcript NM_021008.4 (MANE Select); coding-DNA position 209, C replaced by A.
Protein change: p.Ala70Glu; replaces alanine 70 with glutamic acid.
Molecular consequence: missense variant. On other transcripts: intron variant (1).
Genome position (GRCh38, 1-based): chr11:694,839, G>T on the plus strand (C>A on the coding strand, the complement: DEAF1 is on the minus strand). VCF-style: chr11-694839-G-T. GRCh37 (hg19) VCF-style: chr11-694839-G-T.
Other names: c.209C>A, p.Ala70Glu (NM_001293634.2); c.-437-3241C>A (NM_001367390.1); short protein forms A70E.
Identifiers: ClinVar variation 3691535 (VCV003691535.2).

ClinVar aggregate classification (germline): Uncertain significance (1 of 4 stars; one submission).

gnomAD v4.1: 3 of 1,471,762 alleles (0.0002%); highest among the groups gnomAD compares: African/African-American, 0.0029%; no homozygotes.

Submission:

Labcorp Genetics (formerly Invitae), Labcorp
Classification: Uncertain significance. Last evaluated: 2024-04-24. Review status: criteria provided, single submitter. Criteria: Invitae Variant Classification Sherloc (09022015). Collection method: clinical testing. Allele origin: germline.
Comment: This sequence change replaces alanine, which is neutral and non-polar, with glutamic acid, which is acidic and polar, at codon 70 of the DEAF1 protein (p.Ala70Glu). The frequency data for this variant in the population databases is considered unreliable, as metrics indicate poor data quality at this position in the gnomAD database. This variant has not been reported in the literature in individuals affected with DEAF1-related conditions. Advanced modeling of protein sequence and biophysical properties (such as structural, functional, and spatial information, amino acid conservation, physicochemical variation, residue mobility, and thermodynamic stability) performed at Invitae indicates that this missense variant is not expected to disrupt DEAF1 protein function with a negative predictive value of 80%. In summary, the available evidence is currently insufficient to determine the role of this variant in disease. Therefore, it has been classified as a Variant of Uncertain Significance.